The following is an entry in ClinVar:

NM_001244008.2(KIF1A):c.4481A>G (p.His1494Arg)

Gene: KIF1A (kinesin family member 1A; minus strand). Cytogenetic location: 2q37.3.
Variant type: single nucleotide variant.
Coding change: c.4481A>G on transcript NM_001244008.2 (MANE Select); coding-DNA position 4481, A replaced by G.
Protein change: p.His1494Arg; replaces histidine 1494 with arginine.
Molecular consequence: missense variant.
Genome position (GRCh38, 1-based): chr2:240,722,640, T>C on the plus strand (A>G on the coding strand, the complement: KIF1A is on the minus strand). VCF-style: chr2-240722640-T-C. GRCh37 (hg19) VCF-style: chr2-241662057-T-C.
Other names: c.4205A>G, p.His1402Arg (NM_001320705.2, NM_001379649.1); c.4232A>G, p.His1411Arg (NM_001330289.2); c.4280A>G, p.His1427Arg (NM_001330290.2, NM_001379648.1); c.4556A>G, p.His1519Arg (NM_001379631.1); c.4457A>G, p.His1486Arg (NM_001379632.1); c.4454A>G, p.His1485Arg (NM_001379633.1, NM_001379645.1); c.4307A>G, p.His1436Arg (NM_001379634.1); c.4304A>G, p.His1435Arg (NM_001379635.1, NM_001379646.1); and 7 more; short protein forms H1418R, H1431R, H1435R, H1494R, H1392R, H1411R, H1393R, H1410R.
Identifiers: ClinVar variation 4991470 (VCV004991470.1).
Genomic context (GRCh38, chr2:240,722,640, plus strand): 5'-GACAGTGCCTCCGGGACAGGCCGCTGGGCGGTCTCCAGCTTCTCCCGCAGGAGCAGGTAG[T>C]GCCTAGTCTTCTCCACCTTCAGACAGGACACAAGGCCTTACCTGCTGCACCTCAGGGGTG-3'
Protein context (NP_001230937.1, residues 1484-1504): SLLQEVEKTR[His1494Arg]YLLLREKLET

ClinVar aggregate classification (germline): Uncertain significance (1 of 4 stars; one submission).

Conditions:
KIF1A-related disorder. Also called: KIF1A-related disorders; KIF1A-related condition.

Submission:

PreventionGenetics, part of Exact Sciences
Classification: Uncertain significance for KIF1A-related condition. Last evaluated: 2025-08-18. Review status: criteria provided, single submitter. Criteria: ACMG Guidelines, 2015. Collection method: clinical testing. Allele origin: germline.
Comment: The KIF1A c.4481A>G variant is predicted to result in the amino acid substitution p.His1494Arg. To our knowledge, this variant has not been reported in the literature or in a large population database (gnomAD), indicating this variant is rare. At this time, the clinical significance of this variant is uncertain due to the absence of conclusive functional and genetic evidence.